The following is an entry in ClinVar:

ClinVar aggregate classification (germline): Pathogenic (1 of 4 stars; one submission).

Conditions:
Joubert syndrome. Also called: CEREBELLOPARENCHYMAL DISORDER IV; JOUBERT-BOLTSHAUSER SYNDROME; Familial aplasia of the vermis. Identifiers: Orphanet 475, MedGen C5979921, MONDO:0018772.

Submission:

Labcorp Genetics (formerly Invitae), Labcorp
Classification: Pathogenic for Joubert syndrome. Last evaluated: 2023-03-01. Review status: criteria provided, single submitter. Criteria: Invitae Variant Classification Sherloc (09022015). Collection method: clinical testing. Allele origin: unknown.
Comment: This variant is a gross deletion of the genomic region encompassing exon(s) 13-19 of the AHI1 gene. This deletion is out-of-frame, and is expected to create a premature termination codon and result in an absent or disrupted protein product. Loss-of-function variants in AHI1 are known to be pathogenic (PMID: 15322546, 16453322, 28442542, 29186038). This variant has not been reported in the literature in individuals affected with AHI1-related conditions. For these reasons, this variant has been classified as Pathogenic.

Literature cited by the submitters: PubMed 15322546; PubMed 16453322; PubMed 28442542; PubMed 29186038.

NC_000006.11:g.(?_135748285)_(135763872_?)del

Gene: AHI1 (Abelson helper integration site 1; minus strand). Cytogenetic location: 6q23.3.
Variant type: Deletion.
Identifiers: ClinVar variation 3245977 (VCV003245977.1).